The following is an entry in ClinVar:

NM_000562.3(C8A):c.193C>A (p.Gln65Lys)

Gene: C8A (complement C8 alpha chain; plus strand). Cytogenetic location: 1p32.2.
Variant type: single nucleotide variant.
Coding change: c.193C>A on transcript NM_000562.3 (MANE Select); coding-DNA position 193, C replaced by A.
Protein change: p.Gln65Lys; replaces glutamine 65 with lysine.
Molecular consequence: missense variant.
Genome position (GRCh38, 1-based): chr1:56,874,970, C>A. VCF-style: chr1-56874970-C-A. GRCh37 (hg19) VCF-style: chr1-57340643-C-A.
Other names: short protein forms Q65K.
Identifiers: ClinVar variation 2420227 (VCV002420227.5), dbSNP rs147022920, ClinGen allele CA874958.

ClinVar aggregate classification (germline): Uncertain significance. Review status: criteria provided, multiple submitters, no conflicts (2 of 4 stars). 2 submissions from 2 submitters: Uncertain significance (2). Last evaluated 2026-09-01.

Allele frequency attached by ClinVar (database versions not stated): TOPMed 0.00002; gnomAD 0.00003; ExAC 0.00004; ESP Exome Variant Server 0.00008.
gnomAD v4.1: 55 of 1,613,586 alleles (0.0034%); highest among the groups gnomAD compares: Middle Eastern, 0.017%; no homozygotes.

Submissions (2):

CeGaT Center for Human Genetics Tuebingen
Classification: Uncertain significance. Last evaluated: 2026-09-01. Review status: criteria provided, single submitter. Criteria: CeGaT Center For Human Genetics Tuebingen Variant Classification Criteria Version 2. Collection method: clinical testing. Allele origin: germline. Affected: yes. Observed: 1 variant allele.
Comment: C8A: PM2, BP4

Labcorp Genetics (formerly Invitae), Labcorp
Classification: Uncertain significance. Last evaluated: 2024-10-16. Review status: criteria provided, single submitter. Criteria: Invitae Variant Classification Sherloc (09022015). Collection method: clinical testing. Allele origin: germline.
Comment: This sequence change replaces glutamine, which is neutral and polar, with lysine, which is basic and polar, at codon 65 of the C8A protein (p.Gln65Lys). This variant is present in population databases (rs147022920, gnomAD 0.009%). This variant has not been reported in the literature in individuals affected with C8A-related conditions. ClinVar contains an entry for this variant (Variation ID: 2420227). An algorithm developed to predict the effect of missense changes on protein structure and function (PolyPhen-2) suggests that this variant¬†is likely to be tolerated. In summary, the available evidence is currently insufficient to determine the role of this variant in disease. Therefore, it has been classified as a Variant of Uncertain Significance.